The following is an entry in ClinVar:

NM_001613.4(ACTA2):c.323C>T (p.Thr108Met)

Gene: ACTA2 (actin alpha 2, smooth muscle; minus strand). Cytogenetic location: 10q23.31.
Variant type: single nucleotide variant.
Coding change: c.323C>T on transcript NM_001613.4 (MANE Select); coding-DNA position 323, C replaced by T.
Protein change: p.Thr108Met; replaces threonine 108 with methionine.
Molecular consequence: missense variant.
Genome position (GRCh38, 1-based): chr10:88,943,843, G>A on the plus strand (C>T on the coding strand, the complement: ACTA2 is on the minus strand). VCF-style: chr10-88943843-G-A. GRCh37 (hg19) VCF-style: chr10-90703600-G-A.
Other names: c.323C>T, p.Thr108Met (NM_001141945.3, NM_001320855.2, NM_001406462.1 and 3 more transcripts); c.194C>T, p.Thr65Met (NM_001406467.1, NM_001406468.1, NM_001406469.1); short protein forms T108M, T65M.
Identifiers: ClinVar variation 263402 (VCV000263402.12), dbSNP rs886038789, ClinGen allele CA10587714.
Genomic context (GRCh38, chr10:88,943,843, plus strand): 5'-GGTAGCATACTTACTTGAGTCATTTTCTCCCGGTTGGCCTTGGGGTTCAGGGGTGCCTCC[G>A]TGAGCAGGGTGGGATGCTCTTCAGGGGCAACACGAAGCTCATTGTAGAAAGAGTGGTGCC-3'
Protein context (NP_001604.1, residues 98-118): VAPEEHPTLL[Thr108Met]EAPLNPKANR

ClinVar aggregate classification (germline): Uncertain significance. Review status: criteria provided, multiple submitters, no conflicts (2 of 4 stars). 3 submissions from 3 submitters: Uncertain significance (3). Last evaluated 2026-04-14.

Conditions:
Familial thoracic aortic aneurysm and aortic dissection (TAAD). Also called: Thoracic aortic aneurysms and dissections. Identifiers: Orphanet 91387, MedGen C4707243, MONDO:0019625.
Aortic aneurysm, familial thoracic 6 (AAT6). Also called: FAMILIAL THORACIC AORTIC ANEURYSM WITH LIVEDO RETICULARIS AND IRIS FLOCCULI. Identifiers: MedGen C2673186, MONDO:0012730, OMIM 611788.
Multisystemic smooth muscle dysfunction syndrome (SMDYS). Also called: MYDRIASIS, CONGENITAL, WITH PATENT DUCTUS ARTERIOSUS, THORACIC AORTIC ANEURYSM, AND VASCULOPATHY; SMOOTH MUSCLE DYSFUNCTION SYNDROME. Identifiers: Orphanet 404463, MedGen C3151201, MONDO:0013452, OMIM 613834.
Moyamoya disease 5 (MYMY5). Identifiers: Orphanet 2573, MedGen C3279690, MONDO:0013542, OMIM 614042.

Allele frequency attached by ClinVar (database versions not stated): gnomAD exomes below 0.00001.
gnomAD v4.1: 2 of 1,614,006 alleles (0.00012%); highest among the groups gnomAD compares: Admixed American, 0.0017%; no homozygotes.

Submissions (3):

Ambry Genetics
Classification: Uncertain significance for Familial thoracic aortic aneurysm and aortic dissection. Last evaluated: 2026-04-14. Review status: criteria provided, single submitter. Criteria: Ambry Variant Classification Scheme 2023. Collection method: clinical testing. Allele origin: germline.
Comment: The p.T108M variant (also known as c.323C>T), located in coding exon 3 of the ACTA2 gene, results from a C to T substitution at nucleotide position 323. The threonine at codon 108 is replaced by methionine, an amino acid with similar properties. This variant was reported in individual(s) with features consistent with thoracic aortic aneurysm and dissection (TAAD) (Bee KJ et al. Circ Cardiovasc Genet, 2012 Dec;5:621-9). This amino acid position is highly conserved in available vertebrate species. In addition, this alteration is predicted to be deleterious by in silico analysis. Based on the available evidence, the clinical significance of this variant remains unclear.

Labcorp Genetics (formerly Invitae), Labcorp
Classification: Uncertain significance for Aortic aneurysm, familial thoracic 6. Last evaluated: 2023-02-13. Review status: criteria provided, single submitter. Criteria: Invitae Variant Classification Sherloc (09022015). Collection method: clinical testing. Allele origin: germline.
Comment: This sequence change replaces threonine, which is neutral and polar, with methionine, which is neutral and non-polar, at codon 108 of the ACTA2 protein (p.Thr108Met). This variant is present in population databases (no rsID available, gnomAD 0.003%). This missense change has been observed in individuals with thoracic aortic aneurysm and dissection (PMID: 23099432; Invitae). ClinVar contains an entry for this variant (Variation ID: 263402). Advanced modeling of protein sequence and biophysical properties (such as structural, functional, and spatial information, amino acid conservation, physicochemical variation, residue mobility, and thermodynamic stability) performed at Invitae indicates that this missense variant is expected to disrupt ACTA2 protein function. In summary, the available evidence is currently insufficient to determine the role of this variant in disease. Therefore, it has been classified as a Variant of Uncertain Significance.

Center for Genomics, Ann and Robert H. Lurie Children's Hospital of Chicago
Classification: Uncertain significance for Multisystemic smooth muscle dysfunction syndrome; Aortic aneurysm, familial thoracic 6; Moyamoya disease 5. Review status: criteria provided, single submitter. Criteria: ACMG Guidelines, 2015. Collection method: clinical testing. Allele origin: germline.
Comment: CTA2 NM_001613.3 exon 4 p.Thr108Met (c.323C>T): This variant has been reported in the literature in one individual with thoracic aortic aneurysm (Bee 2012 PMID:23099432). This variant is not present in large control databases but is present in ClinVar (Variation ID:263402). Evolutionary conservation and computational predictive tools suggest that this variant may impact the protein. In summary, data on this variant is insufficient for disease classification. Therefore, the clinical significance of this variant is uncertain.

Literature cited by the submitters: PubMed 23099432 (cited by Ambry Genetics and Labcorp Genetics (formerly Invitae), Labcorp).